The following is an entry in ClinVar:

NM_000051.4(ATM):c.2467-13C>G

Gene: ATM (ATM serine/threonine kinase; plus strand). Cytogenetic location: 11q22.3.
Variant type: single nucleotide variant.
Coding change: c.2467-13C>G on transcript NM_000051.4 (MANE Select); 13 bases into the intron before coding-DNA position 2467, C replaced by G.
Molecular consequence: intron variant.
Genome position (GRCh38, 1-based): chr11:108,267,158, C>G. VCF-style: chr11-108267158-C-G. GRCh37 (hg19) VCF-style: chr11-108137885-C-G.
Other names: c.2467-13C>G (NM_000051.3, NM_001351834.2).
Identifiers: ClinVar variation 2194530 (VCV002194530.5), dbSNP rs1173833392, ClinGen allele CA601697887.
Genomic context (GRCh38, chr11:108,267,158, plus strand): 5'-ATTAGGTAAATTTTGACTACAGCATGCTCCTGCAAGAAGCCATCTTGAACATCTTTGTTT[C>G]TCTTCCTTGAAGGCATCCTTCATCAAAAAGCCATTTGACCGTGGAGAAGTAGAATCAATG-3'

ClinVar aggregate classification (germline): Conflicting classifications of pathogenicity. Review status: criteria provided, conflicting classifications (1 of 4 stars). 2 submissions from 2 submitters: Uncertain significance (1); Likely benign (1). Last evaluated 2025-07-19.

Conditions:
Hereditary cancer-predisposing syndrome. Also called: Neoplastic Syndromes, Hereditary; Hereditary Cancer Syndrome; Hereditary neoplastic syndrome; Tumor predisposition. Identifiers: Orphanet 140162, MedGen C0027672, MeSH D009386, MONDO:0015356.
Ataxia-telangiectasia syndrome (AT). Also called: Cerebello-oculocutaneous telangiectasia; Immunodeficiency with ataxia telangiectasia; LOUIS-BAR SYNDROME; Ataxia-telangiectasia, complementation group D; AT, COMPLEMENTATION GROUP C; Ataxia-telangiectasia. Identifiers: Orphanet 100, MedGen C0004135, MONDO:0008840, OMIM 208900.

Submissions (2):

Labcorp Genetics (formerly Invitae), Labcorp
Classification: Likely benign for Ataxia-telangiectasia syndrome. Last evaluated: 2025-07-19. Review status: criteria provided, single submitter. Criteria: Invitae Variant Classification Sherloc (09022015). Collection method: clinical testing. Allele origin: germline.

Ambry Genetics
Classification: Uncertain significance for Hereditary cancer-predisposing syndrome. Last evaluated: 2015-08-11. Review status: criteria provided, single submitter. Criteria: Ambry Variant Classification Scheme 2023. Collection method: clinical testing. Allele origin: germline.
Comment: The c.2467-13C>G intronic alteration consists of a C to G substitution 13 nucleotides before coding exon 16 in the ATM gene. Based on insufficient or conflicting evidence, the clinical significance of this alteration remains unclear.